The following is an entry in ClinVar:

ClinVar aggregate classification (germline): Likely benign (1 of 4 stars; one submission).

Allele frequency attached by ClinVar (database versions not stated): gnomAD exomes below 0.00001; ExAC 0.00001.
gnomAD v4.1: 1 of 1,613,928 alleles (0.000062%); highest among the groups gnomAD compares: Non-Finnish European, 0.000085%; no homozygotes.

Submission:

Laboratory for Molecular Medicine, Mass General Brigham Personalized Medicine
Classification: Likely benign. Last evaluated: 2017-06-22. Review status: criteria provided, single submitter. Criteria: LMM Criteria. Collection method: clinical testing. Allele origin: germline. Observed: 1 variant allele.
Comment: p.Ile1428Val in exon 35 of CDH23: This variant is not expected to have clinical significance due to a lack of conservation across species, including mammals. Of note, >70 species have a valine (Val) at this position despite high nearby amin o acid conservation. In addition, computational prediction tools do not suggest a high likelihood of impact to the protein. This variant has also been identifie d in 1/111700 European chromosomes by the Genome Aggregation Database (gnomAD; dbSNP rs747559330).

NM_022124.6(CDH23):c.4282A>G (p.Ile1428Val)

Gene: CDH23 (cadherin related 23; plus strand). Cytogenetic location: 10q22.1.
Variant type: single nucleotide variant.
Coding change: c.4282A>G on transcript NM_022124.6 (MANE Select); coding-DNA position 4282, A replaced by G.
Protein change: p.Ile1428Val; replaces isoleucine 1428 with valine.
Molecular consequence: missense variant.
Genome position (GRCh38, 1-based): chr10:71,738,570, A>G. VCF-style: chr10-71738570-A-G. GRCh37 (hg19) VCF-style: chr10-73498327-A-G.
Other names: short protein forms I1428V.
Identifiers: ClinVar variation 517455 (VCV000517455.4), dbSNP rs747559330, ClinGen allele CA5545001.